The following is an entry in ClinVar:

ClinVar aggregate classification (germline): Uncertain significance (1 of 4 stars; one submission).

Submission:

Ambry Genetics
Classification: Uncertain significance. Last evaluated: 2021-12-04. Review status: criteria provided, single submitter. Criteria: Ambry Variant Classification Scheme 2023. Collection method: clinical testing. Allele origin: germline.
Comment: The p.E527D variant (also known as c.1581G>T), located in coding exon 9 of the GALNT12 gene, results from a G to T substitution at nucleotide position 1581. The glutamic acid at codon 527 is replaced by aspartic acid, an amino acid with highly similar properties. This amino acid position is conserved. In addition, this alteration is predicted to be tolerated by in silico analysis. Since supporting evidence is limited at this time, the clinical significance of this alteration remains unclear.

NM_024642.5(GALNT12):c.1581G>T (p.Glu527Asp)

Gene: GALNT12 (polypeptide N-acetylgalactosaminyltransferase 12; plus strand). Cytogenetic location: 9q22.33.
Variant type: single nucleotide variant.
Coding change: c.1581G>T on transcript NM_024642.5 (MANE Select); coding-DNA position 1581, G replaced by T.
Protein change: p.Glu527Asp; replaces glutamic acid 527 with aspartic acid.
Molecular consequence: missense variant.
Genome position (GRCh38, 1-based): chr9:98,846,099, G>T. VCF-style: chr9-98846099-G-T. GRCh37 (hg19) VCF-style: chr9-101608381-G-T.
Other names: short protein forms E527D.
Identifiers: ClinVar variation 1775719 (VCV001775719.2), dbSNP rs1423291369, ClinGen allele CA374221857.